The following is an entry in ClinVar:

ClinVar aggregate classification (germline): not provided (0 of 4 stars; one submission).

Allele frequency attached by ClinVar (database versions not stated): 1000 Genomes Project 0.00020; 1000 Genomes Project 30x 0.00031; gnomAD exomes 0.00046 and 0.00074; ExAC 0.00056; gnomAD 0.00059 and 0.00069; TOPMed 0.00080.

Submission:

Human Evolutionary Genetics, Institut Pasteur
No classification provided. Review status: no classification provided. Collection method: not provided. Allele origin: germline.
ClinVar note: Converted during submission from untested to not provided.

NM_001276700.2(NLRP6):c.851T>C (p.Leu284Pro)

Gene: NLRP6 (NLR family pyrin domain containing 6; plus strand). Cytogenetic location: 11p15.5.
Variant type: single nucleotide variant.
Coding change: c.851T>C on transcript NM_001276700.2 (MANE Select); coding-DNA position 851, T replaced by C.
Protein change: p.Leu284Pro; replaces leucine 284 with proline.
Molecular consequence: missense variant.
Genome position (GRCh38, 1-based): chr11:280,585, T>C. VCF-style: chr11-280585-T-C. GRCh37 (hg19) VCF-style: chr11-280585-T-C.
Other names: c.851T>C, p.Leu284Pro (NM_138329.2); short protein forms L284P.
Identifiers: ClinVar variation 103258 (VCV000103258.2), dbSNP rs199475804, ClinGen allele CA230327.